The following is an entry in ClinVar:

NM_001164665.2(KIAA1549):c.3319C>T (p.Arg1107Trp)

Gene: KIAA1549 (KIAA1549; minus strand). Cytogenetic location: 7q34.
Variant type: single nucleotide variant.
Coding change: c.3319C>T on transcript NM_001164665.2 (MANE Select); coding-DNA position 3319, C replaced by T.
Protein change: p.Arg1107Trp; replaces arginine 1107 with tryptophan.
Molecular consequence: missense variant.
Genome position (GRCh38, 1-based): chr7:138,907,060, G>A on the plus strand (C>T on the coding strand, the complement: KIAA1549 is on the minus strand). VCF-style: chr7-138907060-G-A. GRCh37 (hg19) VCF-style: chr7-138591806-G-A.
Other names: c.3319C>T (NM_001164665.1); c.3319C>T, p.Arg1107Trp (NM_020910.3); short protein forms R1107W.
Identifiers: ClinVar variation 1926280 (VCV001926280.8), dbSNP rs775250591, ClinGen allele CA4506243.

ClinVar aggregate classification (germline): Uncertain significance. Review status: criteria provided, multiple submitters, no conflicts (2 of 4 stars). 2 submissions from 2 submitters: Uncertain significance (2). Last evaluated 2023-11-27.

Conditions:
Inborn genetic diseases. Identifiers: MedGen C0950123, MeSH D030342.

Allele frequency attached by ClinVar (database versions not stated): TOPMed 0.00001; ExAC 0.00002; gnomAD 0.00003.
gnomAD v4.1: 70 of 1,611,424 alleles (0.0043%); highest among the groups gnomAD compares: Non-Finnish European, 0.0054%; no homozygotes.

Submissions (3):

Labcorp Genetics (formerly Invitae), Labcorp
Classification: Uncertain significance. Last evaluated: 2023-11-27. Review status: criteria provided, single submitter. Criteria: Invitae Variant Classification Sherloc (09022015). Collection method: clinical testing. Allele origin: germline.
Comment: This sequence change replaces arginine, which is basic and polar, with tryptophan, which is neutral and slightly polar, at codon 1107 of the KIAA1549 protein (p.Arg1107Trp). This variant is present in population databases (rs775250591, gnomAD 0.003%). This variant has not been reported in the literature in individuals affected with KIAA1549-related conditions. ClinVar contains an entry for this variant (Variation ID: 1926280). An algorithm developed to predict the effect of missense changes on protein structure and function (PolyPhen-2) suggests that this variant is likely to be disruptive. In summary, the available evidence is currently insufficient to determine the role of this variant in disease. Therefore, it has been classified as a Variant of Uncertain Significance.

Ambry Genetics
Classification: Uncertain significance for Inborn genetic diseases. Last evaluated: 2023-02-01. Review status: criteria provided, single submitter. Criteria: Ambry Variant Classification Scheme 2023. Collection method: clinical testing. Allele origin: germline.

Dr. Peter K. Rogan Lab, Western University
No classification provided (evidence only). Condition: Ovarian serous cystadenocarcinoma. Review status: no classification provided. Collection method: in vitro. Allele origin: not applicable. Functional consequence: retained intron. Not counted in ClinVar's aggregate classification.